The following is an entry in ClinVar:

NM_018718.3(CEP41):c.643-9del

Gene: CEP41 (centrosomal protein 41; minus strand). Cytogenetic location: 7q32.2.
Variant type: Deletion.
Coding change: c.643-9del on transcript NM_018718.3 (MANE Select); 9 bases into the intron before coding-DNA position 643, one base deleted (G; older notation c.643-9delG).
Molecular consequence: intron variant.
Genome position (GRCh38, 1-based): chr7:130,400,830, C deleted on the plus strand (G on the coding strand, the reverse complement: CEP41 is on the minus strand). VCF-style (leftmost placement, unchanged base first): chr7-130400829-TC-T. GRCh37 (hg19) VCF-style: chr7-130040670-TC-T.
Other names: c.595-9del (NM_001257159.2); c.643-9del (NM_001257158.2).
Identifiers: ClinVar variation 2103805 (VCV002103805.4), dbSNP rs2536053189, ClinGen allele CA2580077473.
Genomic context (GRCh38, chr7:130,400,829, plus strand): 5'-GCCAGCCTTTCATCATCGTCATACAGAATGATGATCTTGCCATGGGCATTTTTCTAAGAG[TC>T]AGATGAGTTAAGGTTCCAAGGCACTGGGCTGATGTCCCAAGACTACGAGAAACCCCCAAG-3'

ClinVar aggregate classification (germline): Uncertain significance (1 of 4 stars; one submission).

Conditions:
Joubert syndrome 15 (JBTS15). Identifiers: Orphanet 475, MedGen C3280897, MONDO:0013763, OMIM 614464.

Submission:

Labcorp Genetics (formerly Invitae), Labcorp
Classification: Uncertain significance for Joubert syndrome 15. Last evaluated: 2022-03-11. Review status: criteria provided, single submitter. Criteria: Invitae Variant Classification Sherloc (09022015). Collection method: clinical testing. Allele origin: germline.
Comment: Algorithms developed to predict the effect of sequence changes on RNA splicing suggest that this variant may create or strengthen a splice site. In summary, the available evidence is currently insufficient to determine the role of this variant in disease. Therefore, it has been classified as a Variant of Uncertain Significance. This variant has not been reported in the literature in individuals affected with CEP41-related conditions. This variant is not present in population databases (gnomAD no frequency). This sequence change falls in intron 8 of the CEP41 gene. It does not directly change the encoded amino acid sequence of the CEP41 protein.